The following is an entry in ClinVar:

NM_130468.4(CHST14):c.670C>A (p.Arg224Ser)

Gene: CHST14 (carbohydrate sulfotransferase 14; plus strand). Cytogenetic location: 15q15.1.
Variant type: single nucleotide variant.
Coding change: c.670C>A on transcript NM_130468.4 (MANE Select); coding-DNA position 670, C replaced by A.
Protein change: p.Arg224Ser; replaces arginine 224 with serine.
Molecular consequence: missense variant.
Genome position (GRCh38, 1-based): chr15:40,471,883, C>A. VCF-style: chr15-40471883-C-A. GRCh37 (hg19) VCF-style: chr15-40764082-C-A.
Other names: short protein forms R224S.
Identifiers: ClinVar variation 4002735 (VCV004002735.1).
Genomic context (GRCh38, chr15:40,471,883, plus strand): 5'-CAGCACTACTTTAAGTTCCTGTTTGTGCGGGAGCCCTTGGAACGCCTCCTCTCTGCCTAC[C>A]GCAACAAGTTTGGCGAGATCCGAGAGTACCAGCAACGCTATGGGGCTGAGATAGTGAGGC-3'
Protein context (NP_569735.1, residues 214-234): EPLERLLSAY[Arg224Ser]NKFGEIREYQ

ClinVar aggregate classification (germline): Uncertain significance (1 of 4 stars; one submission).

Conditions:
Cardiovascular phenotype. Identifiers: MedGen CN230736.

gnomAD v4.1: 2 of 1,613,950 alleles (0.00012%); highest among the groups gnomAD compares: Non-Finnish European, 0.000085%; no homozygotes.

Submission:

Ambry Genetics
Classification: Uncertain significance for Cardiovascular phenotype. Last evaluated: 2025-05-18. Review status: criteria provided, single submitter. Criteria: Ambry Variant Classification Scheme 2023. Collection method: clinical testing. Allele origin: germline.
Comment: The p.R224S variant (also known as c.670C>A), located in coding exon 1 of the CHST14 gene, results from a C to A substitution at nucleotide position 670. The arginine at codon 224 is replaced by serine, an amino acid with dissimilar properties. This amino acid position is conserved. In addition, this alteration is predicted to be deleterious by in silico analysis. Based on the available evidence, the clinical significance of this variant remains unclear.